The following is an entry in ClinVar:

ClinVar aggregate classification (germline): Conflicting classifications of pathogenicity. Review status: criteria provided, conflicting classifications (1 of 4 stars). 5 submissions from 5 submitters: Likely pathogenic (2); Uncertain significance (2). 1 of the submissions does not count toward it. Last evaluated 2024-06-17.

Conditions:
Autosomal dominant Alport syndrome (ATS3A). Also called: ALPORT SYNDROME 3A, AUTOSOMAL DOMINANT; Alport syndrome dominant type; Renal failure and sensorineural hearing loss. Identifiers: Orphanet 63, Orphanet 88918, MedGen C5882663, MONDO:0007086, OMIM 104200.
Benign familial hematuria. Also called: thin basement membrane disease. Identifiers: MedGen C0241908, MONDO:0957317.
Autosomal recessive Alport syndrome (ATS2). Also called: Alport syndrome type 2; ALPORT SYNDROME 2, AUTOSOMAL RECESSIVE; COL4A3-Related Nephropathy; COL4A4 Alport Syndrome and Thin Basement Membrane Nephropathy. Identifiers: Orphanet 63, Orphanet 88919, MedGen C4746745, MONDO:0008762, OMIM 203780.
Alport syndrome. Also called: Hemorrhagic familial nephritis; Hemorrhagic hereditary nephritis; Congenital hereditary hematuria. Identifiers: Orphanet 63, MedGen C1567741, MONDO:0018965.
Hematuria, benign familial, 2 (BFH2). Identifiers: MedGen C5830421, MONDO:0958186, OMIM 620320.
Alport syndrome 3b, autosomal recessive. Identifiers: MedGen C5882699, MONDO:0957811, OMIM 620536.

Allele frequency attached by ClinVar (database versions not stated): gnomAD exomes below 0.00001.
gnomAD v4.1: 1 of 1,614,150 alleles (0.000062%); highest among the groups gnomAD compares: Non-Finnish European, 0.000085%; no homozygotes.

Submissions (5):

Fulgent Genetics
Classification: Uncertain significance for Autosomal dominant Alport syndrome; Hematuria, benign familial, 2; Alport syndrome 3b, autosomal recessive. Last evaluated: 2024-06-17. Review status: criteria provided, single submitter. Criteria: ACMG Guidelines, 2015. Collection method: clinical testing. Allele origin: germline.

Labcorp Genetics (formerly Invitae), Labcorp
Classification: Uncertain significance. Last evaluated: 2023-03-23. Review status: criteria provided, single submitter. Criteria: Invitae Variant Classification Sherloc (09022015). Collection method: clinical testing. Allele origin: germline.
Comment: This sequence change replaces glycine, which is neutral and non-polar, with serine, which is neutral and polar, at codon 1349 of the COL4A3 protein (p.Gly1349Ser). This variant is not present in population databases (gnomAD no frequency). This missense change has been observed in individual(s) with COL4A3-related conditions (PMID: 33369211, 33532864). ClinVar contains an entry for this variant (Variation ID: 862824). Advanced modeling of protein sequence and biophysical properties (such as structural, functional, and spatial information, amino acid conservation, physicochemical variation, residue mobility, and thermodynamic stability) performed at Invitae indicates that this missense variant is expected to disrupt COL4A3 protein function. Algorithms developed to predict the effect of sequence changes on RNA splicing suggest that this variant may disrupt the consensus splice site. In summary, the available evidence is currently insufficient to determine the role of this variant in disease. Therefore, it has been classified as a Variant of Uncertain Significance.

Medical Genetics, University of Parma
Classification: Likely pathogenic for Autosomal dominant Alport syndrome; Hematuria, benign familial, 1. Last evaluated: 2020-03-11. Review status: criteria provided, single submitter. Criteria: ACMG Guidelines, 2015. Collection method: clinical testing. Allele origin: germline. Affected: yes.

Molecular Biology Laboratory, Fundació Puigvert
Classification: Likely pathogenic for Autosomal recessive Alport syndrome. Last evaluated: 2020-02-01. Review status: criteria provided, single submitter. Criteria: ACMG Guidelines, 2015. Collection method: research. Allele origin: germline. Affected: yes. Study: KidneyPanel_2020.

Natera, Inc.
Classification: Uncertain significance for Alport syndrome. Last evaluated: 2021-10-15. Review status: no assertion criteria provided. Collection method: clinical testing. Allele origin: germline. Not counted in ClinVar's aggregate classification.

Literature cited by the submitters: PubMed 33369211 (cited by Labcorp Genetics (formerly Invitae), Labcorp); PubMed 33532864 (cited by Labcorp Genetics (formerly Invitae), Labcorp and Molecular Biology Laboratory, Fundació Puigvert).

NM_000091.5(COL4A3):c.4045G>A (p.Gly1349Ser)

Genes: COL4A3 (collagen type IV alpha 3 chain; plus strand), MFF-DT (MFF divergent transcript; minus strand). Cytogenetic location: 2q36.3.
Variant type: single nucleotide variant.
Coding change: c.4045G>A on transcript NM_000091.5 (MANE Select); coding-DNA position 4045, G replaced by A.
Protein change: p.Gly1349Ser; replaces glycine 1349 with serine.
Molecular consequence: missense variant.
Genome position (GRCh38, 1-based): chr2:227,304,036, G>A. VCF-style: chr2-227304036-G-A. GRCh37 (hg19) VCF-style: chr2-228168752-G-A.
Other names: short protein forms G1349S.
Identifiers: ClinVar variation 862824 (VCV000862824.13), dbSNP rs2073401281, ClinGen allele CA350862730.